The following is an entry in ClinVar:

NM_000551.4(VHL):c.394del (p.Gln132fs)

Genes: VHL (von Hippel-Lindau tumor suppressor; plus strand), LOC107303340 (3p25 von Hippel-Lindau tumor suppressor, E3 ubiquitin protein ligase Alu-mediated recombination region; plus strand). Cytogenetic location: 3p25.3.
Variant type: Deletion.
Coding change: c.394del on transcript NM_000551.4 (MANE Select); coding-DNA position 394, one base deleted (C; older notation c.394delC).
Protein change: p.Gln132fs; shifts the reading frame from glutamine 132.
Molecular consequence: frameshift variant. On other transcripts: non-coding transcript variant (1), intron variant (2).
Genome position (GRCh38, 1-based): chr3:10,146,567, C deleted; the last of 2 consecutive C bases (chr3:10,146,566-10,146,567); deleting either gives the same sequence. VCF-style (leftmost placement, unchanged base first): chr3-10146565-AC-A. GRCh37 (hg19) VCF-style: chr3-10188249-AC-A.
Other names: c.*18-3220del (NM_001354723.2); c.341-3220del (NM_198156.3); short protein forms Q132fs.
Identifiers: ClinVar variation 3757416 (VCV003757416.2).

ClinVar aggregate classification (germline): Pathogenic (1 of 4 stars; one submission).

Conditions:
Chuvash polycythemia. Also called: POLYCYTHEMIA, VHL-DEPENDENT. Identifiers: Orphanet 238557, MedGen C1837915, MONDO:0009892, OMIM 263400.
Von Hippel-Lindau syndrome (VHLS). Also called: VHL syndrome; von Hippel–Lindau syndrome; Von Hippel-Lindau. Identifiers: Orphanet 892, MedGen C0019562, MONDO:0008667, OMIM 193300. Disease mechanism: loss of function.

Submission:

Labcorp Genetics (formerly Invitae), Labcorp
Classification: Pathogenic for Von Hippel-Lindau syndrome; Chuvash polycythemia. Last evaluated: 2025-01-06. Review status: criteria provided, single submitter. Criteria: Invitae Variant Classification Sherloc (09022015). Collection method: clinical testing. Allele origin: germline.
Comment: This sequence change creates a premature translational stop signal (p.Gln132Lysfs*27) in the VHL gene. It is expected to result in an absent or disrupted protein product. Loss-of-function variants in VHL are known to be pathogenic (PMID: 8956040, 12202531). This variant is not present in population databases (gnomAD no frequency). This variant has not been reported in the literature in individuals affected with VHL-related conditions. Algorithms developed to predict the effect of sequence changes on RNA splicing suggest that this variant may disrupt the consensus splice site. For these reasons, this variant has been classified as Pathogenic.

Literature cited by the submitters: PubMed 8956040; PubMed 12202531.